The following is an entry in ClinVar:

ClinVar aggregate classification (germline): Pathogenic/Likely pathogenic. Review status: criteria provided, multiple submitters, no conflicts (2 of 4 stars). 3 submissions from 3 submitters: Pathogenic (2); Likely pathogenic (1). Last evaluated 2025-09-03.

Conditions:
Combined oxidative phosphorylation defect type 17. Also called: Combined oxidative phosphorylation deficiency 17. Identifiers: Orphanet 369913, MedGen C3809526, MONDO:0014190, OMIM 615440.

Allele frequency attached by ClinVar (database versions not stated): gnomAD exomes 0.00003; ExAC 0.00004; gnomAD 0.00001; TOPMed 0.00002.
gnomAD v4.1: 11 of 1,612,954 alleles (0.00068%); highest among the groups gnomAD compares: Admixed American, 0.0067%; no homozygotes.

Submissions (3):

Labcorp Genetics (formerly Invitae), Labcorp
Classification: Pathogenic for Combined oxidative phosphorylation defect type 17. Last evaluated: 2025-09-03. Review status: criteria provided, single submitter. Criteria: Invitae Variant Classification Sherloc (09022015). Collection method: clinical testing. Allele origin: germline.
Comment: This sequence change affects a donor splice site in intron 1 of the ELAC2 gene. It is expected to disrupt RNA splicing. Variants that disrupt the donor or acceptor splice site typically lead to a loss of protein function (PMID: 16199547), and loss-of-function variants in ELAC2 are known to be pathogenic (PMID: 27769300, 31045291). This variant is present in population databases (rs748684065, gnomAD 0.009%). Disruption of this splice site has been observed in individual(s) with clinical features of mitochondrial complex I deficiency (PMID: 31045291). ClinVar contains an entry for this variant (Variation ID: 937598). Algorithms developed to predict the effect of sequence changes on RNA splicing suggest that this variant may disrupt the consensus splice site. For these reasons, this variant has been classified as Pathogenic.

GeneDx
Classification: Pathogenic. Last evaluated: 2025-02-18. Review status: criteria provided, single submitter. Criteria: GeneDx Variant Classification Process June 2021. Collection method: clinical testing. Allele origin: germline.
Comment: Canonical splice site variant predicted to result in a null allele in a gene for which loss of function is a known mechanism of disease; Not observed at significant frequency in large population cohorts (gnomAD); This variant is associated with the following publications: (PMID: 31045291)

Revvity Omics, Revvity
Classification: Likely pathogenic for Combined oxidative phosphorylation defect type 17. Last evaluated: 2023-02-16. Review status: criteria provided, single submitter. Criteria: ACMG Guidelines, 2015. Collection method: clinical testing. Allele origin: germline.

Literature cited by the submitters: PubMed 16199547 (cited by Labcorp Genetics (formerly Invitae), Labcorp); PubMed 27769300 (cited by Labcorp Genetics (formerly Invitae), Labcorp); PubMed 31045291 (cited by Labcorp Genetics (formerly Invitae), Labcorp).

NM_018127.7(ELAC2):c.245+2T>A

Gene: ELAC2 (elaC ribonuclease Z 2; minus strand). Cytogenetic location: 17p12.
Variant type: single nucleotide variant.
Coding change: c.245+2T>A on transcript NM_018127.7 (MANE Select); the canonical splice donor site of the intron after coding-DNA position 245, T replaced by A.
Molecular consequence: splice donor variant.
Genome position (GRCh38, 1-based): chr17:13,017,701, A>T on the plus strand (T>A on the coding strand, the complement: ELAC2 is on the minus strand). VCF-style: chr17-13017701-A-T. GRCh37 (hg19) VCF-style: chr17-12921018-A-T.
Other names: c.245+2T>A (NM_001165962.2, NM_173717.2).
Identifiers: ClinVar variation 937598 (VCV000937598.9), dbSNP rs748684065, ClinGen allele CA8401794.